The following is an entry in ClinVar:

NM_006073.4(TRDN):c.1690C>A (p.Gln564Lys)

Gene: TRDN (triadin; minus strand). Cytogenetic location: 6q22.31.
Variant type: single nucleotide variant.
Coding change: c.1690C>A on transcript NM_006073.4 (MANE Select); coding-DNA position 1690, C replaced by A.
Protein change: p.Gln564Lys; replaces glutamine 564 with lysine.
Molecular consequence: missense variant.
Genome position (GRCh38, 1-based): chr6:123,271,169, G>T on the plus strand (C>A on the coding strand, the complement: TRDN is on the minus strand). VCF-style: chr6-123271169-G-T. GRCh37 (hg19) VCF-style: chr6-123592314-G-T.
Other names: short protein forms Q564K.
Identifiers: ClinVar variation 1778122 (VCV001778122.3), dbSNP rs892905883, ClinGen allele CA365564532.

ClinVar aggregate classification (germline): Uncertain significance (1 of 4 stars; one submission).

Conditions:
Cardiovascular phenotype. Identifiers: MedGen CN230736.

Submission:

Ambry Genetics
Classification: Uncertain significance for Cardiovascular phenotype. Last evaluated: 2025-07-12. Review status: criteria provided, single submitter. Criteria: Ambry Variant Classification Scheme 2023. Collection method: clinical testing. Allele origin: germline.
Comment: The p.Q564K variant (also known as c.1690C>A), located in coding exon 30 of the TRDN gene, results from a C to A substitution at nucleotide position 1690. The glutamine at codon 564 is replaced by lysine, an amino acid with similar properties. This amino acid position is conserved. In addition, this alteration is predicted to be tolerated by in silico analysis. Since supporting evidence is limited at this time, the clinical significance of this alteration remains unclear.